The following is an entry in ClinVar:

ClinVar aggregate classification (germline): Pathogenic (1 of 4 stars; one submission).

Conditions:
Ehlers-Danlos syndrome, classic type, 1 (EDSCL1). Also called: EDS I; EHLERS-DANLOS SYNDROME, GRAVIS TYPE; EHLERS-DANLOS SYNDROME, SEVERE CLASSIC TYPE; Ehlers-Danlos Syndrome, Classic Type, COL5A1-Related; Ehlers-Danlos syndrome, type 1. Identifiers: MedGen C0268335, MONDO:0019567, OMIM 130000.

Submission:

Labcorp Genetics (formerly Invitae), Labcorp
Classification: Pathogenic for Ehlers-Danlos syndrome, classic type, 1. Last evaluated: 2023-10-27. Review status: criteria provided, single submitter. Criteria: Invitae Variant Classification Sherloc (09022015). Collection method: clinical testing. Allele origin: germline.
Comment: This sequence change results in a frameshift in the COL5A1 gene (p.Asn1779Serfs*88). While this is not anticipated to result in nonsense mediated decay, it is expected to disrupt the last 60 amino acid(s) of the COL5A1 protein and extend the protein by 27 additional amino acid residues. This variant is not present in population databases (gnomAD no frequency). This variant has not been reported in the literature in individuals affected with COL5A1-related conditions. This variant disrupts a region of the COL5A1 protein in which other variant(s) (p.Phe1820Argfs*2) have been determined to be pathogenic (PMID: 23587214). This suggests that this is a clinically significant region of the protein, and that variants that disrupt it are likely to be disease-causing. For these reasons, this variant has been classified as Pathogenic.

Literature cited by the submitters: PubMed 23587214.

NM_000093.5(COL5A1):c.5336_5337delinsG (p.Asn1779fs)

Genes: COL5A1 (collagen type V alpha 1 chain; plus strand), LOC101448202 (uncharacterized LOC101448202; minus strand). Cytogenetic location: 9q34.3.
Variant type: Indel.
Coding change: c.5336_5337delinsG on transcript NM_000093.5 (MANE Select); coding-DNA positions 5336 to 5337, AC replaced by G.
Protein change: p.Asn1779fs; shifts the reading frame from asparagine 1779.
Molecular consequence: frameshift variant.
Genome position (GRCh38, 1-based): chr9:134,835,170-134,835,171, AC replaced by G. VCF-style: chr9-134835170-AC-G. GRCh37 (hg19) VCF-style: chr9-137727016-AC-G.
Other names: c.5336_5337delinsG, p.Asn1779fs (NM_001278074.1); short protein forms N1779fs.
Identifiers: ClinVar variation 638817 (VCV000638817.7), dbSNP rs1588615658, ClinGen allele CA915947346.